The following is an entry in ClinVar:

NM_004984.4(KIF5A):c.672C>T (p.Leu224=)

Gene: KIF5A (kinesin family member 5A; plus strand). Cytogenetic location: 12q13.3.
Variant type: single nucleotide variant.
Coding change: c.672C>T on transcript NM_004984.4 (MANE Select); coding-DNA position 672, C replaced by T.
Protein change: p.Leu224=; no amino-acid change (leucine 224 retained).
Molecular consequence: synonymous variant.
Genome position (GRCh38, 1-based): chr12:57,567,576, C>T. VCF-style: chr12-57567576-C-T. GRCh37 (hg19) VCF-style: chr12-57961359-C-T.
Other names: c.405C>T, p.Leu135= (NM_001354705.2).
Identifiers: ClinVar variation 1660512 (VCV001660512.33), dbSNP rs770896632, ClinGen allele CA6652650.

ClinVar aggregate classification (germline): Likely benign. Review status: criteria provided, multiple submitters, no conflicts (2 of 4 stars). 2 submissions from 2 submitters: Likely benign (2). Last evaluated 2025-12-01.

Conditions:
Spastic paraplegia. Identifiers: MedGen C0037772, HP:0001258.

Allele frequency attached by ClinVar (database versions not stated): gnomAD exomes below 0.00001 and 0.00001; ExAC 0.00001; gnomAD 0.00001.
gnomAD v4.1: 9 of 1,612,380 alleles (0.00056%); highest among the groups gnomAD compares: Non-Finnish European, 0.00076%; no homozygotes.

Submissions (2):

CeGaT Center for Human Genetics Tuebingen
Classification: Likely benign. Last evaluated: 2025-12-01. Review status: criteria provided, single submitter. Criteria: CeGaT Center For Human Genetics Tuebingen Variant Classification Criteria Version 2. Collection method: clinical testing. Allele origin: germline. Affected: yes. Observed: 2 variant alleles.
Comment: KIF5A: BP4, BP7

Labcorp Genetics (formerly Invitae), Labcorp
Classification: Likely benign for Spastic paraplegia. Last evaluated: 2025-11-05. Review status: criteria provided, single submitter. Criteria: Invitae Variant Classification Sherloc (09022015). Collection method: clinical testing. Allele origin: germline.